The following is an entry in ClinVar:

NM_005989.4(AKR1D1):c.*52G>A

Gene: AKR1D1 (aldo-keto reductase family 1 member D1; plus strand). Cytogenetic location: 7q33.
Variant type: single nucleotide variant.
Coding change: c.*52G>A on transcript NM_005989.4 (MANE Select); 52 bases downstream of the stop codon, G replaced by A.
Molecular consequence: 3 prime UTR variant.
Genome position (GRCh38, 1-based): chr7:138,116,714, G>A. VCF-style: chr7-138116714-G-A. GRCh37 (hg19) VCF-style: chr7-137801460-G-A.
Other names: c.*52G>A (NM_001190906.2); c.*77G>A (NM_001190907.2).
Identifiers: ClinVar variation 909241 (VCV000909241.5), dbSNP rs147259015, ClinGen allele CA4502917.

ClinVar aggregate classification (germline): Likely benign. Review status: criteria provided, multiple submitters, no conflicts (2 of 4 stars). 2 submissions from 2 submitters: Likely benign (2). Last evaluated 2018-01-13.

Conditions:
Congenital bile acid synthesis defect 2 (CBAS2). Also called: CHOLESTASIS WITH DELTA(4)-3-OXOSTEROID 5-BETA-REDUCTASE DEFICIENCY. Identifiers: Orphanet 79303, MedGen C1856127, MONDO:0009339, OMIM 235555.

Allele frequency attached by ClinVar (database versions not stated): gnomAD 0.00565 and 0.00596; 1000 Genomes Project 30x 0.00609; TOPMed 0.00610; gnomAD exomes 0.00640 and 0.00831; ExAC 0.00649; ESP Exome Variant Server 0.00674; 1000 Genomes Project 0.00719.
gnomAD v4.1: 12,008 of 1,493,240 alleles (0.8%); highest among the groups gnomAD compares: Middle Eastern, 2%; 76 homozygotes.

Submissions (2):

Illumina Laboratory Services, Illumina
Classification: Likely benign for Congenital bile acid synthesis defect 2. Last evaluated: 2018-01-13. Review status: criteria provided, single submitter. Criteria: ICSL Variant Classification Criteria 13 December 2019. Collection method: clinical testing. Allele origin: germline.
Comment: This variant was observed in the ICSL laboratory as part of a predisposition screen in an ostensibly healthy population. It had not been previously curated by ICSL or reported in the Human Gene Mutation Database (HGMD: prior to June 1st, 2018), and was therefore a candidate for classification through an automated scoring system. Utilizing variant allele frequency, disease prevalence and penetrance estimates, and inheritance mode, an automated score was calculated to assess if this variant is too frequent to cause the disease. Based on the score and internal cut-off values, a variant classified as likely benign is not then subjected to further curation. The score for this variant resulted in a classification of likely benign for this disease.

Breakthrough Genomics
Classification: Likely benign. Review status: criteria provided, single submitter. Criteria: ACMG Guidelines, 2015. Collection method: not provided. Allele origin: germline. Inheritance: Autosomal recessive inheritance. Affected: yes.